The following is an entry in ClinVar:

ClinVar aggregate classification (germline): Likely pathogenic (1 of 4 stars; one submission).

Conditions:
Autosomal recessive nonsyndromic hearing loss 4 (DFNB4). Also called: Deafness, autosomal recessive 4; FOXI1-Related Pendred Syndrome; KCNJ10-Related Pendred Syndrome; DEAFNESS, AUTOSOMAL RECESSIVE 4, WITH ENLARGED VESTIBULAR AQUEDUCT, DIGENIC; NEUROSENSORY NONSYNDROMIC RECESSIVE DEAFNESS 4; Nonsyndromic enlarged vestibular aqueduct (NSEVA). Identifiers: Orphanet 90636, MedGen C3538946, MONDO:0010933, OMIM 600791.

Submission:

Institute of Rare Diseases, West China Hospital, Sichuan University
Classification: Likely pathogenic for Autosomal recessive nonsyndromic hearing loss 4. Last evaluated: 2025-01-09. Review status: criteria provided, single submitter. Criteria: ClinGen HL ACMG Specifications v1. Collection method: research. Allele origin: germline. Affected: yes.
Comment: PM3;PM5;PM2_Supporting;PP3

NM_000441.2(SLC26A4):c.392G>C (p.Gly131Ala)

Gene: SLC26A4 (solute carrier family 26 member 4; plus strand). Cytogenetic location: 7q22.3.
Variant type: single nucleotide variant.
Coding change: c.392G>C on transcript NM_000441.2 (MANE Select); coding-DNA position 392, G replaced by C.
Protein change: p.Gly131Ala; replaces glycine 131 with alanine.
Molecular consequence: missense variant.
Genome position (GRCh38, 1-based): chr7:107,672,225, G>C. VCF-style: chr7-107672225-G-C. GRCh37 (hg19) VCF-style: chr7-107312670-G-C.
Other names: short protein forms G131A.
Identifiers: ClinVar variation 3601773 (VCV003601773.1).